The following is an entry in ClinVar:

ClinVar aggregate classification (germline): Uncertain significance (1 of 4 stars; one submission).

Allele frequency attached by ClinVar (database versions not stated): gnomAD exomes below 0.00001.
gnomAD v4.1: 1 of 1,613,958 alleles (0.000062%); highest among the groups gnomAD compares: Admixed American, 0.0017%; no homozygotes.

Submission:

Labcorp Genetics (formerly Invitae), Labcorp
Classification: Uncertain significance. Last evaluated: 2022-05-06. Review status: criteria provided, single submitter. Criteria: Invitae Variant Classification Sherloc (09022015). Collection method: clinical testing. Allele origin: germline.
Comment: In summary, the available evidence is currently insufficient to determine the role of this variant in disease. Therefore, it has been classified as a Variant of Uncertain Significance. Algorithms developed to predict the effect of missense changes on protein structure and function are either unavailable or do not agree on the potential impact of this missense change (SIFT: "Tolerated"; PolyPhen-2: "Not Available"; Align-GVGD: "Class C0"). This variant has not been reported in the literature in individuals affected with FMN1-related conditions. This variant is present in population databases (no rsID available, gnomAD 0.003%). This sequence change replaces alanine, which is neutral and non-polar, with valine, which is neutral and non-polar, at codon 21 of the FMN1 protein (p.Ala21Val).

NM_001277313.2(FMN1):c.2044-2749C>T

Gene: FMN1 (formin 1; minus strand). Cytogenetic location: 15q13.3.
Variant type: single nucleotide variant.
Coding change: c.2044-2749C>T on transcript NM_001277313.2 (MANE Select); 2749 bases into the intron before coding-DNA position 2044, C replaced by T.
Molecular consequence: intron variant. On other transcripts: missense variant (1).
Genome position (GRCh38, 1-based): chr15:33,067,823, G>A on the plus strand (C>T on the coding strand, the complement: FMN1 is on the minus strand). VCF-style: chr15-33067823-G-A. GRCh37 (hg19) VCF-style: chr15-33360024-G-A.
Other names: c.62C>T, p.Ala21Val (NM_001103184.4); short protein forms A21V.
Identifiers: ClinVar variation 1937821 (VCV001937821.5), dbSNP rs1253218083, ClinGen allele CA391575988.